The following is an entry in ClinVar:

ClinVar aggregate classification (germline): Uncertain significance. Review status: criteria provided, multiple submitters, no conflicts (2 of 4 stars). 3 submissions from 3 submitters: Uncertain significance (3). Last evaluated 2025-10-13.

Conditions:
Multiple sulfatase deficiency (MSD). Also called: Multiple Sulfatase Deficiency Disease; Sulfatidosis, Juvenile, Austin Type; Mucosulfatidosis. Identifiers: Orphanet 585, MedGen C0268263, MONDO:0010088, OMIM 272200.
Inborn genetic diseases. Identifiers: MedGen C0950123, MeSH D030342.

Allele frequency attached by ClinVar (database versions not stated): gnomAD 0.00001; gnomAD exomes 0.00002; TOPMed 0.00002; ExAC 0.00004; ESP Exome Variant Server 0.00008.
gnomAD v4.1: 28 of 1,613,946 alleles (0.0017%); highest among the groups gnomAD compares: Admixed American, 0.0033%; no homozygotes.

Submissions (3):

Labcorp Genetics (formerly Invitae), Labcorp
Classification: Uncertain significance for Multiple sulfatase deficiency. Last evaluated: 2025-10-13. Review status: criteria provided, single submitter. Criteria: Invitae Variant Classification Sherloc (09022015). Collection method: clinical testing. Allele origin: germline.
Comment: This sequence change replaces alanine, which is neutral and non-polar, with threonine, which is neutral and polar, at codon 186 of the SUMF1 protein (p.Ala186Thr). This variant is present in population databases (rs373973248, gnomAD 0.006%). This variant has not been reported in the literature in individuals affected with SUMF1-related conditions. ClinVar contains an entry for this variant (Variation ID: 2069321). Invitae Evidence Modeling of protein sequence and biophysical properties (such as structural, functional, and spatial information, amino acid conservation, physicochemical variation, residue mobility, and thermodynamic stability) indicates that this missense variant is expected to disrupt SUMF1 protein function with a positive predictive value of 95%. In summary, the available evidence is currently insufficient to determine the role of this variant in disease. Therefore, it has been classified as a Variant of Uncertain Significance.

Blueprint Genetics
Classification: Uncertain significance. Last evaluated: 2024-01-26. Review status: criteria provided, single submitter. Criteria: ACMG Guidelines, 2015. Collection method: clinical testing. Allele origin: germline.

Ambry Genetics
Classification: Uncertain significance for Inborn genetic diseases. Last evaluated: 2021-06-29. Review status: criteria provided, single submitter. Criteria: Ambry Variant Classification Scheme 2023. Collection method: clinical testing. Allele origin: germline.

NM_182760.4(SUMF1):c.556G>A (p.Ala186Thr)

Gene: SUMF1 (sulfatase modifying factor 1; minus strand). Cytogenetic location: 3p26.1.
Variant type: single nucleotide variant.
Coding change: c.556G>A on transcript NM_182760.4 (MANE Select); coding-DNA position 556, G replaced by A.
Protein change: p.Ala186Thr; replaces alanine 186 with threonine.
Molecular consequence: missense variant.
Genome position (GRCh38, 1-based): chr3:4,420,110, C>T on the plus strand (G>A on the coding strand, the complement: SUMF1 is on the minus strand). VCF-style: chr3-4420110-C-T. GRCh37 (hg19) VCF-style: chr3-4461794-C-T.
Other names: c.481G>A, p.Ala161Thr (NM_001164674.2); c.556G>A, p.Ala186Thr (NM_001164675.2); short protein forms A186T, A161T.
Identifiers: ClinVar variation 2069321 (VCV002069321.4), dbSNP rs373973248, ClinGen allele CA2230553.
Genomic context (GRCh38, chr3:4,420,110, plus strand): 5'-GGGACCAGCCTCACCTGTGCAGAATAGTAGAGTCAGGCCCTTCTGGGTGTCTCCAGTTAG[C>T]GCCTTTCACAGGTAACCACCAGGGAGCAGCTGCAACCTCAAAGCAACCCAGAACAGGCTG-3'
Protein context (NP_877437.2, residues 176-196): AAPWWLPVKG[Ala186Thr]NWRHPEGPDS